The following is an entry in ClinVar:

NM_032603.5(LOXL3):c.1153A>C (p.Lys385Gln)

Gene: LOXL3 (lysyl oxidase like 3; minus strand). Cytogenetic location: 2p13.1.
Variant type: single nucleotide variant.
Coding change: c.1153A>C on transcript NM_032603.5 (MANE Select); coding-DNA position 1153, A replaced by C.
Protein change: p.Lys385Gln; replaces lysine 385 with glutamine.
Molecular consequence: missense variant.
Genome position (GRCh38, 1-based): chr2:74,536,091, T>G on the plus strand (A>C on the coding strand, the complement: LOXL3 is on the minus strand). VCF-style: chr2-74536091-T-G. GRCh37 (hg19) VCF-style: chr2-74763218-T-G.
Other names: c.718A>C, p.Lys240Gln (NM_001289164.3); c.70A>C, p.Lys24Gln (NM_001289165.2); short protein forms K24Q, K385Q, K240Q.
Identifiers: ClinVar variation 1999478 (VCV001999478.4), dbSNP rs2529944968, ClinGen allele CA347388692.

ClinVar aggregate classification (germline): Uncertain significance (1 of 4 stars; one submission).

Submission:

Labcorp Genetics (formerly Invitae), Labcorp
Classification: Uncertain significance. Last evaluated: 2022-05-27. Review status: criteria provided, single submitter. Criteria: Invitae Variant Classification Sherloc (09022015). Collection method: clinical testing. Allele origin: germline.
Comment: This sequence change replaces lysine, which is basic and polar, with glutamine, which is neutral and polar, at codon 385 of the LOXL3 protein (p.Lys385Gln). This variant is not present in population databases (gnomAD no frequency). This variant has not been reported in the literature in individuals affected with LOXL3-related conditions. Algorithms developed to predict the effect of missense changes on protein structure and function (SIFT, PolyPhen-2, Align-GVGD) all suggest that this variant is likely to be tolerated. In summary, the available evidence is currently insufficient to determine the role of this variant in disease. Therefore, it has been classified as a Variant of Uncertain Significance.